The following is an entry in ClinVar:

NM_000388.4(CASR):c.623G>C (p.Trp208Ser)

Gene: CASR (calcium sensing receptor; plus strand). Cytogenetic location: 3q21.1.
Variant type: single nucleotide variant.
Coding change: c.623G>C on transcript NM_000388.4 (MANE Select); coding-DNA position 623, G replaced by C.
Protein change: p.Trp208Ser; replaces tryptophan 208 with serine.
Molecular consequence: missense variant.
Genome position (GRCh38, 1-based): chr3:122,261,658, G>C. VCF-style: chr3-122261658-G-C. GRCh37 (hg19) VCF-style: chr3-121980505-G-C.
Other names: c.623G>C, p.Trp208Ser (NM_001178065.2); short protein forms W208S.
Identifiers: ClinVar variation 1023753 (VCV001023753.9), dbSNP rs2074623917, ClinGen allele CA354150992.

ClinVar aggregate classification (germline): Uncertain significance (1 of 4 stars; one submission).

Conditions:
Autosomal dominant hypocalcemia 1 (HYPOC1). Also called: HYPOCALCEMIA, FAMILIAL. Identifiers: MedGen C3715128, MONDO:0011013, OMIM 601198.
Familial hypocalciuric hypercalcemia (FHH). Also called: Familial benign hypercalcemia. Identifiers: Orphanet 405, MedGen C1809471, MONDO:0018458.

Submission:

Labcorp Genetics (formerly Invitae), Labcorp
Classification: Uncertain significance for Familial hypocalciuric hypercalcemia; Autosomal dominant hypocalcemia 1. Last evaluated: 2020-07-23. Review status: criteria provided, single submitter. Criteria: Invitae Variant Classification Sherloc (09022015). Collection method: clinical testing. Allele origin: germline.
Comment: This sequence change replaces tryptophan with serine at codon 208 of the CASR protein (p.Trp208Ser). The tryptophan residue is highly conserved and there is a large physicochemical difference between tryptophan and serine. This variant is not present in population databases (ExAC no frequency). This variant has been observed in individual(s) with clinical features of CASR-related conditions (PMID: 18296474, 22422767, 2983592). Algorithms developed to predict the effect of missense changes on protein structure and function (SIFT, PolyPhen-2, Align-GVGD) all suggest that this variant is likely to be disruptive, but these predictions have not been confirmed by published functional studies and their clinical significance is uncertain. In summary, the available evidence is currently insufficient to determine the role of this variant in disease. Therefore, it has been classified as a Variant of Uncertain Significance.

Literature cited by the submitters: PubMed 18296474; PubMed 22422767; PubMed 2983592.